The following is an entry in ClinVar:

NM_000179.3(MSH6):c.2129T>A (p.Ile710Asn)

Gene: MSH6 (mutS homolog 6; plus strand). Cytogenetic location: 2p16.3.
Variant type: single nucleotide variant.
Coding change: c.2129T>A on transcript NM_000179.3 (MANE Select); coding-DNA position 2129, T replaced by A.
Protein change: p.Ile710Asn; replaces isoleucine 710 with asparagine.
Molecular consequence: missense variant.
Genome position (GRCh38, 1-based): chr2:47,800,112, T>A. VCF-style: chr2-47800112-T-A. GRCh37 (hg19) VCF-style: chr2-48027251-T-A.
Other names: c.1223T>A, p.Ile408Asn (NM_001281493.2, NM_001281494.2); c.1739T>A, p.Ile580Asn (NM_001281492.2); short protein forms I408N, I580N, I710N.
Identifiers: ClinVar variation 820775 (VCV000820775.18), dbSNP rs750817344, ClinGen allele CA346751025.

ClinVar aggregate classification (germline): Conflicting classifications of pathogenicity. Review status: criteria provided, conflicting classifications (1 of 4 stars). 4 submissions from 4 submitters: Uncertain significance (3); Likely benign (1). Last evaluated 2025-11-10.

Conditions:
Hereditary nonpolyposis colorectal neoplasms. Identifiers: MedGen C0009405, MeSH D003123.
Hereditary cancer-predisposing syndrome. Also called: Neoplastic Syndromes, Hereditary; Tumor predisposition; Hereditary Cancer Syndrome; Hereditary neoplastic syndrome. Identifiers: Orphanet 140162, MedGen C0027672, MeSH D009386, MONDO:0015356.

Allele frequency attached by ClinVar (database versions not stated): TOPMed below 0.00001.
gnomAD v4.1: 5 of 1,614,186 alleles (0.00031%); highest among the groups gnomAD compares: East Asian, 0.011%; no homozygotes.

Submissions (4):

Color Diagnostics, LLC DBA Color Health
Classification: Uncertain significance for Hereditary cancer-predisposing syndrome. Last evaluated: 2025-11-10. Review status: criteria provided, single submitter. Criteria: ACMG Guidelines, 2015. Collection method: clinical testing. Allele origin: germline.
Comment: This missense variant replaces isoleucine with asparagine at codon 710 of the MSH6 protein. Computational prediction suggests that this variant may not impact protein structure and function. To our knowledge, functional studies have not been reported for this variant. This variant has not been reported in individuals affected with MSH6-related disorders in the literature. This variant has been identified in 5/1614186 chromosomes in the general population by the Genome Aggregation Database (gnomAD). The available evidence is insufficient to determine the role of this variant in disease conclusively. Therefore, this variant is classified as a Variant of Uncertain Significance.

Ambry Genetics
Classification: Uncertain significance for Hereditary cancer-predisposing syndrome. Last evaluated: 2025-09-14. Review status: criteria provided, single submitter. Criteria: Ambry Variant Classification Scheme 2023. Collection method: clinical testing. Allele origin: germline.
Comment: The p.I710N variant (also known as c.2129T>A), located in coding exon 4 of the MSH6 gene, results from a T to A substitution at nucleotide position 2129. The isoleucine at codon 710 is replaced by asparagine, an amino acid with dissimilar properties. This amino acid position is not well conserved in available vertebrate species. In addition, the in silico prediction for this alteration is inconclusive. Since supporting evidence is limited at this time, the clinical significance of this alteration remains unclear.

Labcorp Genetics (formerly Invitae), Labcorp
Classification: Likely benign for Hereditary nonpolyposis colorectal neoplasms. Last evaluated: 2025-07-06. Review status: criteria provided, single submitter. Criteria: Invitae Variant Classification Sherloc (09022015). Collection method: clinical testing. Allele origin: germline.

Genetic Services Laboratory, University of Chicago
Classification: Uncertain significance. Last evaluated: 2019-07-24. Review status: criteria provided, single submitter. Criteria: ACMG Guidelines, 2015. Collection method: clinical testing. Allele origin: germline. Affected: no.